The following is an entry in ClinVar:

NM_198525.3(KIF7):c.978C>T (p.Val326=)

Gene: KIF7 (kinesin family member 7; minus strand). Cytogenetic location: 15q26.1.
Variant type: single nucleotide variant.
Coding change: c.978C>T on transcript NM_198525.3 (MANE Select); coding-DNA position 978, C replaced by T.
Protein change: p.Val326=; no amino-acid change (valine 326 retained).
Molecular consequence: synonymous variant.
Genome position (GRCh38, 1-based): chr15:89,648,720, G>A on the plus strand (C>T on the coding strand, the complement: KIF7 is on the minus strand). VCF-style: chr15-89648720-G-A. GRCh37 (hg19) VCF-style: chr15-90191951-G-A.
Identifiers: ClinVar variation 594036 (VCV000594036.28), dbSNP rs555659148, ClinGen allele CA7728595.

ClinVar aggregate classification (germline): Conflicting classifications of pathogenicity. Review status: criteria provided, conflicting classifications (1 of 4 stars). 4 submissions from 4 submitters: Uncertain significance (1); Likely benign (3). Last evaluated 2026-04-01.

Conditions:
Acrocallosal syndrome (ACLS). Also called: HALLUX DUPLICATION, POSTAXIAL POLYDACTYLY, AND ABSENCE OF CORPUS CALLOSUM; Schinzel syndrome 1; Absence of corpus callosum with unusual facial appearance, mental deficiency, duplication of the halluces and polydactyly. Identifiers: Orphanet 36, MedGen C0796147, MONDO:0008708, OMIM 200990.

Allele frequency attached by ClinVar (database versions not stated): gnomAD below 0.00001 and 0.00004; TOPMed below 0.00001; gnomAD exomes 0.00011 and 0.00031; 1000 Genomes Project 30x 0.00016; 1000 Genomes Project 0.00020; ExAC 0.00096.
gnomAD v4.1: 164 of 1,536,320 alleles (0.011%); highest among the groups gnomAD compares: South Asian, 0.17%; no homozygotes.

Submissions (4):

CeGaT Center for Human Genetics Tuebingen
Classification: Likely benign. Last evaluated: 2026-04-01. Review status: criteria provided, single submitter. Criteria: CeGaT Center For Human Genetics Tuebingen Variant Classification Criteria Version 2. Collection method: clinical testing. Allele origin: germline. Affected: yes. Observed: 3 variant alleles.
Comment: KIF7: BP4, BP7

Labcorp Genetics (formerly Invitae), Labcorp
Classification: Likely benign for Acrocallosal syndrome. Last evaluated: 2026-01-29. Review status: criteria provided, single submitter. Criteria: Invitae Variant Classification Sherloc (09022015). Collection method: clinical testing. Allele origin: germline.

Blueprint Genetics
Classification: Likely benign. Last evaluated: 2024-04-02. Review status: criteria provided, single submitter. Criteria: ACMG Guidelines, 2015. Collection method: clinical testing. Allele origin: germline.

Eurofins Ntd Llc (ga)
Classification: Uncertain significance. Last evaluated: 2017-09-28. Review status: criteria provided, single submitter. Criteria: EGL Classification Definitions 2015. Collection method: clinical testing. Allele origin: germline. Observed: 1 variant allele, 1 heterozygote.